The following is an entry in ClinVar:

NM_015441.3(OLFML2B):c.1669T>C (p.Tyr557His)

Gene: OLFML2B (olfactomedin like 2B; minus strand). Cytogenetic location: 1q23.3.
Variant type: single nucleotide variant.
Coding change: c.1669T>C on transcript NM_015441.3 (MANE Select); coding-DNA position 1669, T replaced by C.
Protein change: p.Tyr557His; replaces tyrosine 557 with histidine.
Molecular consequence: missense variant.
Genome position (GRCh38, 1-based): chr1:161,984,259, A>G on the plus strand (T>C on the coding strand, the complement: OLFML2B is on the minus strand). VCF-style: chr1-161984259-A-G. GRCh37 (hg19) VCF-style: chr1-161954049-A-G.
Other names: c.1672T>C, p.Tyr558His (NM_001297713.2); c.1675T>C, p.Tyr559His (NM_001347700.2); short protein forms Y557H, Y558H, Y559H.
Identifiers: ClinVar variation 2639518 (VCV002639518.24), dbSNP rs200652136, ClinGen allele CA1214805.
Genomic context (GRCh38, chr1:161,984,259, plus strand): 5'-AGTAGAAGGCGCCATTGTATACCACGTGGCCTGTGCCGATCCAGCTGTACGGGAGCTTGT[A>G]GGAATTGCTCCAGCGACCTGCAGGTGGGGAGAAAACAGGAGGCTTCAGAGTGGCATGGCA-3'
Protein context (NP_056256.1, residues 547-567): NFKQGRWSNS[Tyr557His]KLPYSWIGTG

ClinVar aggregate classification (germline): Uncertain significance (1 of 4 stars; one submission).

Allele frequency attached by ClinVar (database versions not stated): ESP Exome Variant Server 0.00015; TOPMed 0.00030; gnomAD 0.00057; gnomAD exomes 0.00063; ExAC 0.00075; 1000 Genomes Project 30x 0.00109; 1000 Genomes Project 0.00140.
gnomAD v4.1: 963 of 1,520,824 alleles (0.063%); highest among the groups gnomAD compares: South Asian, 0.82%; 9 homozygotes.

Submission:

CeGaT Center for Human Genetics Tuebingen
Classification: Uncertain significance. Last evaluated: 2022-03-01. Review status: criteria provided, single submitter. Criteria: CeGaT Center For Human Genetics Tuebingen Variant Classification Criteria Version 2. Collection method: clinical testing. Allele origin: germline. Affected: yes. Observed: 1 variant allele.
Comment: OLFML2B: PP3